The following is an entry in ClinVar:

ClinVar aggregate classification (germline): Uncertain significance (1 of 4 stars; one submission).

Conditions:
Inborn genetic diseases. Identifiers: MedGen C0950123, MeSH D030342.

Allele frequency attached by ClinVar (database versions not stated): gnomAD exomes below 0.00001.
gnomAD v4.1: 2 of 1,614,010 alleles (0.00012%); highest among the groups gnomAD compares: Non-Finnish European, 0.00017%; no homozygotes.

Submission:

Ambry Genetics
Classification: Uncertain significance for Inborn genetic diseases. Last evaluated: 2021-09-20. Review status: criteria provided, single submitter. Criteria: Ambry Variant Classification Scheme 2023. Collection method: clinical testing. Allele origin: germline.
Comment: The p.V2583A variant (also known as c.7748T>C), located in coding exon 46 of the ATR gene, results from a T to C substitution at nucleotide position 7748. The valine at codon 2583 is replaced by alanine, an amino acid with similar properties. This amino acid position is conserved. In addition, this alteration is predicted to be tolerated by in silico analysis. Since supporting evidence is limited at this time, the clinical significance of this alteration remains unclear.

NM_001184.4(ATR):c.7748T>C (p.Val2583Ala)

Gene: ATR (ATR checkpoint kinase; minus strand). Cytogenetic location: 3q23.
Variant type: single nucleotide variant.
Coding change: c.7748T>C on transcript NM_001184.4 (MANE Select); coding-DNA position 7748, T replaced by C.
Protein change: p.Val2583Ala; replaces valine 2583 with alanine.
Molecular consequence: missense variant.
Genome position (GRCh38, 1-based): chr3:142,453,141, A>G on the plus strand (T>C on the coding strand, the complement: ATR is on the minus strand). VCF-style: chr3-142453141-A-G. GRCh37 (hg19) VCF-style: chr3-142171983-A-G.
Other names: c.7556T>C, p.Val2519Ala (NM_001354579.2); short protein forms V2583A, V2519A.
Identifiers: ClinVar variation 1760425 (VCV001760425.2), dbSNP rs2070829207, ClinGen allele CA354794036.
Genomic context (GRCh38, chr3:142,453,141, plus strand): 5'-GTAGAGATGAGGACTACAGCCCATATCAAGCTATACCTTCTACTAACCTTTTCATTGACA[A>G]CTTCTCCAGTTTCATTCAGTGGCGCTTTGGAATGCCCTTTCACTGGTTTACTCCATTCCA-3'
Protein context (NP_001175.2, residues 2573-2593): SKAPLNETGE[Val2583Ala]VNEKAKTHVL